The following is an entry in ClinVar:

ClinVar aggregate classification (germline): Uncertain significance (1 of 4 stars; one submission).

Conditions:
Congenital disorder of deglycosylation (CDDG). Identifiers: MedGen C3808991, MONDO:0031376.

Submission:

Labcorp Genetics (formerly Invitae), Labcorp
Classification: Uncertain significance for Congenital disorder of deglycosylation. Last evaluated: 2020-02-23. Review status: criteria provided, single submitter. Criteria: Invitae Variant Classification Sherloc (09022015). Collection method: clinical testing. Allele origin: germline.
Comment: In summary, the available evidence is currently insufficient to determine the role of this variant in disease. Therefore, it has been classified as a Variant of Uncertain Significance. Experimental studies and prediction algorithms are not available or were not evaluated, and the functional significance of this variant is currently unknown. This variant has not been reported in the literature in individuals with NGLY1-related conditions. This variant is an in-frame deletion of the genomic region encompassing exon 3 of the NGLY1 gene. It preserves the integrity of the reading frame.

NC_000003.11:g.(?_25805537)_(25805822_?)del

Gene: NGLY1 (N-glycanase 1; minus strand). Cytogenetic location: 3p24.2.
Variant type: Deletion.
Identifiers: ClinVar variation 1025137 (VCV001025137.6).